The following is an entry in ClinVar:

NM_002863.5(PYGL):c.2T>A (p.Met1Lys)

Gene: PYGL (glycogen phosphorylase L; minus strand). Cytogenetic location: 14q22.1.
Variant type: single nucleotide variant.
Coding change: c.2T>A on transcript NM_002863.5 (MANE Select); coding-DNA position 2, T replaced by A.
Protein change: p.Met1Lys; changes the start codon (methionine 1).
Molecular consequence: missense variant, initiator codon variant.
Genome position (GRCh38, 1-based): chr14:50,944,402, A>T on the plus strand (T>A on the coding strand, the complement: PYGL is on the minus strand). VCF-style: chr14-50944402-A-T. GRCh37 (hg19) VCF-style: chr14-51411120-A-T.
Other names: c.2T>A, p.Met1Lys (NM_001163940.2); short protein forms M1K.
Identifiers: ClinVar variation 3603870 (VCV003603870.3).

ClinVar aggregate classification (germline): Conflicting classifications of pathogenicity. Review status: criteria provided, conflicting classifications (1 of 4 stars). 2 submissions from 2 submitters: Likely pathogenic (1); Uncertain significance (1). Last evaluated 2025-08-01.

Conditions:
Glycogen storage disease, type VI (GSD6). Also called: Glycogen storage disease type 6, due to phosphorylation; GSD VI; HERS DISEASE; PHOSPHORYLASE DEFICIENCY GLYCOGEN-STORAGE DISEASE OF LIVER; Glycogen storage disease type 6; Hepatic glycogen phosphorylase deficiency. Identifiers: Orphanet 369, MedGen C0017925, MONDO:0009294, OMIM 232700.

Submissions (2):

First Genomix Gene Laboratory, Genetic Diagnostics Department
Classification: Likely pathogenic for Glycogen storage disease, type VI. Last evaluated: 2025-08-01. Review status: criteria provided, single submitter. Criteria: ACMG Guidelines, 2015. Collection method: clinical testing. Allele origin: germline. Inheritance: Autosomal recessive inheritance. Affected: no. Observed: 1 variant allele.

Labcorp Genetics (formerly Invitae), Labcorp
Classification: Uncertain significance for Glycogen storage disease, type VI. Last evaluated: 2024-11-05. Review status: criteria provided, single submitter. Criteria: Invitae Variant Classification Sherloc (09022015). Collection method: clinical testing. Allele origin: germline.
Comment: This sequence change affects the initiator methionine of the PYGL mRNA. The next in-frame methionine is located at codon 92. This variant is present in population databases (rs772781384, gnomAD 0.01%). Disruption of the initiator codon has been observed in individual(s) with glycogen storage disease type VI (PMID: 35854365). This variant disrupts a region of the PYGL protein in which other variant(s) (p.Asp77del) have been observed in individuals with PYGL-related conditions (PMID: 25070466, 33782433). This suggests that this is a clinically significant region of the protein, and that variants that disrupt it are likely to be disease-causing. In summary, the available evidence is currently insufficient to determine the role of this variant in disease. Therefore, it has been classified as a Variant of Uncertain Significance.

Literature cited by the submitters: PubMed 35854365 (cited by Labcorp Genetics (formerly Invitae), Labcorp); PubMed 25070466 (cited by Labcorp Genetics (formerly Invitae), Labcorp); PubMed 33782433 (cited by Labcorp Genetics (formerly Invitae), Labcorp).